The following is an entry in ClinVar:

ClinVar aggregate classification (germline): Likely benign. Review status: criteria provided, single submitter (1 of 4 stars). 2 submissions from 2 submitters: Likely benign (1). 1 of the submissions does not count toward it. Last evaluated 2026-01-06.

Conditions:
TRAPPC11-related disorder. Also called: TRAPPC11-related condition.
Autosomal recessive limb-girdle muscular dystrophy type R18 (LGMDR18). Also called: Limb-girdle muscular dystrophy, type 2S; MUSCULAR DYSTROPHY, LIMB-GIRDLE, AUTOSOMAL RECESSIVE 18; Autosomal recessive limb-girdle muscular dystrophy type 2S. Identifiers: Orphanet 369840, MedGen C4517996, MONDO:0014144, OMIM 615356.

Allele frequency attached by ClinVar (database versions not stated): TOPMed 0.00004; gnomAD exomes 0.00018 and 0.00052; ExAC 0.00046; gnomAD 0.00038 and 0.00039.
gnomAD v4.1: 322 of 1,613,964 alleles (0.02%); highest among the groups gnomAD compares: Admixed American, 0.01%; 1 homozygote.

Submissions (2):

Labcorp Genetics (formerly Invitae), Labcorp
Classification: Likely benign for Autosomal recessive limb-girdle muscular dystrophy type R18. Last evaluated: 2026-01-06. Review status: criteria provided, single submitter. Criteria: Invitae Variant Classification Sherloc (09022015). Collection method: clinical testing. Allele origin: germline.

PreventionGenetics, part of Exact Sciences
Classification: Likely benign for TRAPPC11-related condition. Last evaluated: 2022-04-11. Review status: no assertion criteria provided. Collection method: clinical testing. Allele origin: germline. Not counted in ClinVar's aggregate classification.
Comment: This variant is classified as likely benign based on ACMG/AMP sequence variant interpretation guidelines (Richards et al. 2015 PMID: 25741868, with internal and published modifications).

NM_021942.6(TRAPPC11):c.2287C>T (p.Pro763Ser)

Genes: TRAPPC11 (trafficking protein particle complex subunit 11; plus strand), LOC126807238 (BRD4-independent group 4 enhancer GRCh37_chr4:184614366-184615565; plus strand). Cytogenetic location: 4q35.1.
Variant type: single nucleotide variant.
Coding change: c.2287C>T on transcript NM_021942.6 (MANE Select); coding-DNA position 2287, C replaced by T.
Protein change: p.Pro763Ser; replaces proline 763 with serine.
Molecular consequence: missense variant.
Genome position (GRCh38, 1-based): chr4:183,693,638, C>T. VCF-style: chr4-183693638-C-T. GRCh37 (hg19) VCF-style: chr4-184614791-C-T.
Other names: c.2287C>T (NM_021942.5); c.2287C>T, p.Pro763Ser (NM_199053.3); short protein forms P763S.
Identifiers: ClinVar variation 1109171 (VCV001109171.11), dbSNP rs201179987, ClinGen allele CA3152152.